The following is an entry in ClinVar:

ClinVar aggregate classification (germline): Uncertain significance (1 of 4 stars; one submission).

Submission:

GeneDx
Classification: Uncertain significance. Last evaluated: 2023-02-14. Review status: criteria provided, single submitter. Criteria: GeneDx Variant Classification Process June 2021. Collection method: clinical testing. Allele origin: germline. Affected: yes.
Comment: Not observed at significant frequency in large population cohorts (gnomAD); In silico analysis supports that this missense variant does not alter protein structure/function; Has not been previously published as pathogenic or benign to our knowledge

NM_001145026.2(PTPRQ):c.1843T>C (p.Phe615Leu)

Gene: PTPRQ (protein tyrosine phosphatase receptor type Q; plus strand). Cytogenetic location: 12q21.31.
Variant type: single nucleotide variant.
Coding change: c.1843T>C on transcript NM_001145026.2 (MANE Select); coding-DNA position 1843, T replaced by C.
Protein change: p.Phe615Leu; replaces phenylalanine 615 with leucine.
Molecular consequence: missense variant.
Genome position (GRCh38, 1-based): chr12:80,495,332, T>C. VCF-style: chr12-80495332-T-C. GRCh37 (hg19) VCF-style: chr12-80889111-T-C.
Other names: short protein forms F615L.
Identifiers: ClinVar variation 2575685 (VCV002575685.1), dbSNP rs1340745261, ClinGen allele CA385886422.